The following is an entry in ClinVar:

ClinVar aggregate classification (germline): Likely benign. Review status: criteria provided, multiple submitters, no conflicts (2 of 4 stars). 2 submissions from 2 submitters: Likely benign (2). Last evaluated 2026-01-26.

Conditions:
EPHB4-related disorder. Also called: EPHB4-related disorders; EPHB4-related condition.
Cardiovascular phenotype. Identifiers: MedGen CN230736.

Allele frequency attached by ClinVar (database versions not stated): ExAC 0.00001; gnomAD exomes 0.00001; gnomAD 0.00009; TOPMed 0.00013.

Submissions (2):

PreventionGenetics, part of Exact Sciences
Classification: Likely benign for EPHB4-related condition. Last evaluated: 2026-01-26. Review status: criteria provided, single submitter. Criteria: ACMG Guidelines, 2015. Collection method: clinical testing. Allele origin: germline.
Comment: This variant is classified as likely benign based on ACMG/AMP sequence variant interpretation guidelines (Richards et al. 2015 PMID: 25741868, with internal and published modifications).

Ambry Genetics
Classification: Likely benign for Cardiovascular phenotype. Last evaluated: 2023-06-03. Review status: criteria provided, single submitter. Criteria: Ambry Variant Classification Scheme 2023. Collection method: clinical testing. Allele origin: germline.

NM_004444.5(EPHB4):c.1341C>T (p.Pro447=)

Gene: EPHB4 (EPH receptor B4; minus strand). Cytogenetic location: 7q22.1.
Variant type: single nucleotide variant.
Coding change: c.1341C>T on transcript NM_004444.5 (MANE Select); coding-DNA position 1341, C replaced by T.
Protein change: p.Pro447=; no amino-acid change (proline 447 retained).
Molecular consequence: synonymous variant.
Genome position (GRCh38, 1-based): chr7:100,818,601, G>A on the plus strand (C>T on the coding strand, the complement: EPHB4 is on the minus strand). VCF-style: chr7-100818601-G-A. GRCh37 (hg19) VCF-style: chr7-100416223-G-A.
Identifiers: ClinVar variation 2565158 (VCV002565158.3), dbSNP rs772073456, ClinGen allele CA4393019.
Genomic context (GRCh38, chr7:100,818,601, plus strand): 5'-GTAGTCCAGCACAGCCCCACTGGGTGCCCGGGGAACAGCCCAGGCCAGGCTCAAGCTGCT[G>A]GGTGAGGACCGCGTCACCCGGATGTCAGACACTGCAGGAGGTACTGTGAGAGGCAGAGAC-3'
Protein context (NP_004435.3, residues 437-457): VSDIRVTRSS[Pro447=]SSLSLAWAVP